The following is an entry in ClinVar:

ClinVar aggregate classification (germline): Likely benign. Review status: criteria provided, multiple submitters, no conflicts (2 of 4 stars). 2 submissions from 2 submitters: Likely benign (2). Last evaluated 2025-09-03.

Conditions:
HSD3B7-related disorder. Also called: HSD3B7-related condition.

gnomAD v4.1: 15 of 1,614,054 alleles (0.00093%); highest among the groups gnomAD compares: African/African-American, 0.0027%; no homozygotes.

Submissions (2):

PreventionGenetics, part of Exact Sciences
Classification: Likely benign for HSD3B7-related condition. Last evaluated: 2025-09-03. Review status: criteria provided, single submitter. Criteria: ACMG Guidelines, 2015. Collection method: clinical testing. Allele origin: germline.
Comment: This variant is classified as likely benign based on ACMG/AMP sequence variant interpretation guidelines (Richards et al. 2015 PMID: 25741868, with internal and published modifications).

Labcorp Genetics (formerly Invitae), Labcorp
Classification: Likely benign. Last evaluated: 2025-07-30. Review status: criteria provided, single submitter. Criteria: Invitae Variant Classification Sherloc (09022015). Collection method: clinical testing. Allele origin: germline.

NM_025193.4(HSD3B7):c.438C>T (p.Asn146=)

Gene: HSD3B7 (hydroxy-delta-5-steroid dehydrogenase, 3 beta- and steroid delta-isomerase 7; plus strand). Cytogenetic location: 16p11.2.
Variant type: single nucleotide variant.
Coding change: c.438C>T on transcript NM_025193.4 (MANE Select); coding-DNA position 438, C replaced by T.
Protein change: p.Asn146=; no amino-acid change (asparagine 146 retained).
Molecular consequence: synonymous variant.
Genome position (GRCh38, 1-based): chr16:30,986,611, C>T. VCF-style: chr16-30986611-C-T. GRCh37 (hg19) VCF-style: chr16-30997932-C-T.
Other names: c.438C>T, p.Asn146= (NM_001142777.2, NM_001142778.2); c.438C>T (NM_025193.3).
Identifiers: ClinVar variation 3710514 (VCV003710514.3).
Genomic context (GRCh38, chr16:30,986,611, plus strand): 5'-GTCCTCTAAGAGCCCATTTCCCTCAGCATTGAGTCTTCCTTCTCCTCCCACCAGGGGCAA[C>T]GAAGACACCCCATACGAAGCAGTGCACAGGCACCCCTATCCTTGCAGCAAGGCCCTGGCC-3'
Protein context (NP_079469.2, residues 136-156): NTKGHPFYRG[Asn146=]EDTPYEAVHR